The following is an entry in ClinVar:

ClinVar aggregate classification (germline): Uncertain significance (1 of 4 stars; one submission).

Allele frequency attached by ClinVar (database versions not stated): TOPMed below 0.00001; gnomAD 0.00001; gnomAD exomes 0.00001.
gnomAD v4.1: 9 of 1,556,396 alleles (0.00058%); highest among the groups gnomAD compares: Non-Finnish European, 0.0007%; no homozygotes.

Submission:

GeneDx
Classification: Uncertain significance. Last evaluated: 2021-01-18. Review status: criteria provided, single submitter. Criteria: GeneDx Variant Classification Process June 2021. Collection method: clinical testing. Allele origin: germline. Affected: yes.
Comment: In silico analysis supports that this missense variant does not alter protein structure/function; Has not been previously published as pathogenic or benign to our knowledge

NM_007118.4(TRIO):c.5324A>G (p.Lys1775Arg)

Gene: TRIO (trio Rho guanine nucleotide exchange factor; plus strand). Cytogenetic location: 5p15.2.
Variant type: single nucleotide variant.
Coding change: c.5324A>G on transcript NM_007118.4 (MANE Select); coding-DNA position 5324, A replaced by G.
Protein change: p.Lys1775Arg; replaces lysine 1775 with arginine.
Molecular consequence: missense variant. On other transcripts: non-coding transcript variant (1).
Genome position (GRCh38, 1-based): chr5:14,461,139, A>G. VCF-style: chr5-14461139-A-G. GRCh37 (hg19) VCF-style: chr5-14461248-A-G.
Other names: short protein forms K1775R.
Identifiers: ClinVar variation 1208788 (VCV001208788.3), dbSNP rs1387254331, ClinGen allele CA359227302.